The following is an entry in ClinVar:

ClinVar aggregate classification (germline): Uncertain significance (1 of 4 stars; one submission).

Conditions:
WNT10A-related disorder. Also called: WNT10A-related disorders; WNT10A-related condition.

gnomAD v4.1: 5 of 1,605,740 alleles (0.00031%); highest among the groups gnomAD compares: Admixed American, 0.0084%; no homozygotes.

Submission:

PreventionGenetics, part of Exact Sciences
Classification: Uncertain significance for WNT10A-related condition. Last evaluated: 2024-10-07. Review status: criteria provided, single submitter. Criteria: ACMG Guidelines, 2015. Collection method: clinical testing. Allele origin: germline.
Comment: The WNT10A c.70G>C variant is predicted to result in the amino acid substitution p.Val24Leu. To our knowledge, this variant has not been reported in the literature. This variant is reported in 0.0090% of alleles in individuals of Latino descent in gnomAD. At this time, the clinical significance of this variant is uncertain due to the absence of conclusive functional and genetic evidence.

NM_025216.3(WNT10A):c.70G>C (p.Val24Leu)

Gene: WNT10A (Wnt family member 10A; plus strand). Cytogenetic location: 2q35.
Variant type: single nucleotide variant.
Coding change: c.70G>C on transcript NM_025216.3 (MANE Select); coding-DNA position 70, G replaced by C.
Protein change: p.Val24Leu; replaces valine 24 with leucine.
Molecular consequence: missense variant.
Genome position (GRCh38, 1-based): chr2:218,881,065, G>C. VCF-style: chr2-218881065-G-C. GRCh37 (hg19) VCF-style: chr2-219745787-G-C.
Other names: short protein forms V24L.
Identifiers: ClinVar variation 4989608 (VCV004989608.1).
Genomic context (GRCh38, chr2:218,881,065, plus strand): 5'-GCCCACCCTCGCCCCTGGCTGCGGCTCCGACCCCAGCCCCAGCCGCGGCCAGCGCTCTGG[G>C]TGCTCCTGTTCTTCCTACTGCTGCTGGCTGCTGCCATGCCCAGGTGAGCCCTCACCTCAT-3'
Protein context (NP_079492.2, residues 14-34): PQPQPRPALW[Val24Leu]LLFFLLLLAA